The following is an entry in ClinVar:

ClinVar aggregate classification (germline): Likely pathogenic (1 of 4 stars; one submission).

Conditions:
Medium-chain acyl-coenzyme A dehydrogenase deficiency (ACADMD). Also called: MCADD; CARNITINE DEFICIENCY SECONDARY TO MEDIUM-CHAIN ACYL-CoA DEHYDROGENASE DEFICIENCY; MCAD Deficiency; MCADH DEFICIENCY; Medium chain acyl-CoA dehydrogenase deficiency; ACADM DEFICIENCY. Identifiers: Orphanet 42, MedGen C0220710, MONDO:0008721, OMIM 201450.

Submission:

Myriad Genetics, Inc.
Classification: Likely pathogenic for Medium-chain acyl-coenzyme A dehydrogenase deficiency. Last evaluated: 2022-04-04. Review status: criteria provided, single submitter. Criteria: Myriad Women's Health Autosomal Recessive and X-Linked Classification Criteria (2021). Collection method: clinical testing. Allele origin: unknown.
Comment: NM_000016.4(ACADM):c.212delG(G71Vfs*7) is expected to be pathogenic in the context of medium chain acyl-CoA dehydrogenase deficiency. This variant is predicted to lead to an abnormal or absent protein product due to the creation of a premature termination codon in ACADM, a gene where loss-of-function variants are known to be pathogenic. Please note: this variant was assessed in the context of healthy population screening.

NM_000016.6(ACADM):c.212del (p.Gly71fs)

Gene: ACADM (acyl-CoA dehydrogenase medium chain; plus strand). Cytogenetic location: 1p31.1.
Variant type: Deletion.
Coding change: c.212del on transcript NM_000016.6 (MANE Select); coding-DNA position 212, one base deleted (G; older notation c.212delG).
Protein change: p.Gly71fs; shifts the reading frame from glycine 71.
Molecular consequence: frameshift variant. On other transcripts: 5 prime UTR variant (1).
Genome position (GRCh38, 1-based): chr1:75,732,737, G deleted; the last of 2 consecutive G bases (chr1:75,732,736-75,732,737); deleting either gives the same sequence. VCF-style (leftmost placement, unchanged base first): chr1-75732735-TG-T. GRCh37 (hg19) VCF-style: chr1-76198420-TG-T.
Other names: c.224del, p.Gly75fs (NM_001127328.3); c.104del, p.Gly35fs (NM_001286042.2); c.212del, p.Gly71fs (NM_001286043.2); c.-174del (NM_001286044.2); short protein forms G35fs, G71fs, G75fs.
Identifiers: ClinVar variation 1725878 (VCV001725878.2), dbSNP rs2525572808, ClinGen allele CA2580063240.